The following is an entry in ClinVar:

ClinVar aggregate classification (germline): Conflicting classifications of pathogenicity. Review status: criteria provided, conflicting classifications (1 of 4 stars). 3 submissions from 3 submitters: Pathogenic (1); Likely pathogenic (1); Uncertain significance (1). Last evaluated 2026-06-05.

Conditions:
6-Pyruvoyl-tetrahydrobiopterin synthase deficiency. Also called: BH4-deficient hyperphenylalaninemia A; Hyperphenylalanemia, BH4-deficient, A; Hyperphenylalaninemia due to 6-pyruvoyl-tetrahydropterin synthase deficiency; 6-Pyruvoyltetrahydropterin Synthase Deficiency; PTS DEFICIENCY; HYPERPHENYLALANINEMIA, TETRAHYDROBIOPTERIN-DEFICIENT, DUE TO PTS DEFICIENCY. Identifiers: Orphanet 13, Orphanet 238583, MedGen C0878676, MONDO:0009863, OMIM 261640.

Submissions (3):

Myriad Genetics, Inc.
Classification: Uncertain significance for 6-Pyruvoyl-tetrahydrobiopterin synthase deficiency. Last evaluated: 2026-06-05. Review status: criteria provided, single submitter. Criteria: Myriad Autosomal Dominant, Autosomal Recessive and X-Linked Classification Criteria (2023). Collection method: clinical testing. Allele origin: unknown.
Comment: NM_000317.2(PTS):c.94A>G(S32G) is a missense variant classified as a variant of uncertain significance in the context of 6-pyruvoyl-tetrahydropterin synthase deficiency. S32G has been observed in cases with relevant disease (PMID: 33822819). Relevant functional assessments of this variant are not available in the literature. S32G has not been observed in referenced population frequency databases. In summary, there is insufficient evidence to classify NM_000317.2(PTS):c.94A>G(S32G) as pathogenic or benign. Please note: this variant was assessed in the context of healthy population screening.

Labcorp Genetics (formerly Invitae), Labcorp
Classification: Pathogenic for 6-Pyruvoyl-tetrahydrobiopterin synthase deficiency. Last evaluated: 2025-12-17. Review status: criteria provided, single submitter. Criteria: Invitae Variant Classification Sherloc (09022015). Collection method: clinical testing. Allele origin: germline.
Comment: This sequence change replaces serine, which is neutral and polar, with glycine, which is neutral and non-polar, at codon 32 of the PTS protein (p.Ser32Gly). This variant is not present in population databases (gnomAD no frequency). This missense change has been observed in individual(s) with biopterin-deficient hyperphenylalaninemia and/or phenylketonuria (PMID: 31332730, 33822819; internal data). In at least one individual the data is consistent with being in trans (on the opposite chromosome) from a pathogenic variant. An algorithm developed to predict the effect of missense changes on protein structure and function (PolyPhen-2) suggests that this variant is likely to be tolerated. For these reasons, this variant has been classified as Pathogenic.

Natera, Inc.
Classification: Likely pathogenic for 6-Pyruvoyl-tetrahydrobiopterin synthase deficiency. Last evaluated: 2025-05-14. Review status: criteria provided, single submitter. Criteria: Natera Variant Classification Schema (03/2026). Collection method: clinical testing. Allele origin: germline.
Comment: The c.94A>G variant in PTS is a missense variant predicted to cause substitution of serine to glycine at amino acid 32. This variant is rare in the general population with a frequency below the threshold expected for the associated phenotype(s). This variant has been observed in one or more individuals affected with the associated recessive disease, as either homozygous or compound heterozygous with a second variant (PMID: 33822819). This variant has been identified in one or more affected individuals with a phenotype highly consistent with the associated gene (PMID: 33822819). Computational prediction algorithms indicate this variant is likely to affect gene or protein function. Given the available evidence, this variant is classified as Likely Pathogenic.

Literature cited by the submitters: PubMed 33822819 (cited by 3 submitters); PubMed 31332730 (cited by Labcorp Genetics (formerly Invitae), Labcorp).

NM_000317.3(PTS):c.94A>G (p.Ser32Gly)

Gene: PTS (6-pyruvoyltetrahydropterin synthase; plus strand). Cytogenetic location: 11q23.1.
Variant type: single nucleotide variant.
Coding change: c.94A>G on transcript NM_000317.3 (MANE Select); coding-DNA position 94, A replaced by G.
Protein change: p.Ser32Gly; replaces serine 32 with glycine.
Molecular consequence: missense variant.
Genome position (GRCh38, 1-based): chr11:112,228,604, A>G. VCF-style: chr11-112228604-A-G. GRCh37 (hg19) VCF-style: chr11-112099327-A-G.
Other names: c.94A>G (NM_000317.2); short protein forms S32G.
Identifiers: ClinVar variation 4750137 (VCV004750137.3).
Genomic context (GRCh38, chr11:112,228,604, plus strand): 5'-TTGAATGTGATACTTGTGTCATGCTGACTTTTTTTTTTTTTTTTGGTCAGTAAATTTCTA[A>G]GTGATGAAGAAAACTTGAAACTGTTTGGGAAATGCAACAATCCAAATGGCCATGGGCACA-3'
Protein context (NP_000308.1, residues 22-42): ASHRLYSKFL[Ser32Gly]DEENLKLFGK